The following is an entry in ClinVar:

NM_001376.5(DYNC1H1):c.901C>G (p.Leu301Val)

Gene: DYNC1H1 (dynein cytoplasmic 1 heavy chain 1; plus strand). Cytogenetic location: 14q32.31.
Variant type: single nucleotide variant.
Coding change: c.901C>G on transcript NM_001376.5 (MANE Select); coding-DNA position 901, C replaced by G.
Protein change: p.Leu301Val; replaces leucine 301 with valine.
Molecular consequence: missense variant.
Genome position (GRCh38, 1-based): chr14:101,980,490, C>G. VCF-style: chr14-101980490-C-G. GRCh37 (hg19) VCF-style: chr14-102446827-C-G.
Other names: short protein forms L301V.
Identifiers: ClinVar variation 1305877 (VCV001305877.2), dbSNP rs2141270236, ClinGen allele CA391010217.

ClinVar aggregate classification (germline): Uncertain significance (1 of 4 stars; one submission).

Submission:

GeneDx
Classification: Uncertain significance. Last evaluated: 2019-05-16. Review status: criteria provided, single submitter. Criteria: GeneDx Variant Classification Process June 2021. Collection method: clinical testing. Allele origin: germline. Affected: yes.
Comment: Not observed in large population cohorts (Lek et al., 2016); In silico analysis, which includes protein predictors and evolutionary conservation, supports a deleterious effect; Has not been previously published as pathogenic or benign to our knowledge